The following is an entry in ClinVar:

ClinVar aggregate classification (germline): Uncertain significance. Review status: criteria provided, multiple submitters, no conflicts (2 of 4 stars). 4 submissions from 4 submitters: Uncertain significance (4). Last evaluated 2025-09-01.

Conditions:
Niemann-Pick disease, type B. Also called: Chronic Visceral ASMD (Niemann-Pick Disease Type B; NPD-B). Identifiers: Orphanet 77293, MedGen C0268243, MONDO:0011871, OMIM 607616. Disease mechanism: loss of function.
Niemann-Pick disease, type A. Also called: SPHINGOMYELIN LIPIDOSIS; SPHINGOMYELINASE DEFICIENCY; Infantile Neurovisceral ASMD (Niemann-Pick Disease Type A; NPD-A). Identifiers: Orphanet 77292, MedGen C0268242, MONDO:0009756, OMIM 257200. Disease mechanism: loss of function.
SMPD1-related disorder. Also called: SMPD1-related condition.
Inborn genetic diseases. Identifiers: MedGen C0950123, MeSH D030342.

Allele frequency attached by ClinVar (database versions not stated): gnomAD exomes below 0.00001 and 0.00001; ExAC 0.00001; gnomAD 0.00003; TOPMed 0.00004; 1000 Genomes Project 30x 0.00016; 1000 Genomes Project 0.00020.

Submissions (4):

Ambry Genetics
Classification: Uncertain significance for Inborn genetic diseases. Last evaluated: 2025-09-01. Review status: criteria provided, single submitter. Criteria: Ambry Variant Classification Scheme 2023. Collection method: clinical testing. Allele origin: germline.

PreventionGenetics, part of Exact Sciences
Classification: Uncertain significance for SMPD1-related condition. Last evaluated: 2023-06-12. Review status: criteria provided, single submitter. Criteria: ACMG Guidelines, 2015. Collection method: clinical testing. Allele origin: germline.
Comment: The SMPD1 c.58G>A variant is predicted to result in the amino acid substitution p.Gly20Arg. To our knowledge, this variant has not been reported in the literature. This variant is reported in 0.013% of alleles in individuals of African descent in gnomAD. At this time, the clinical significance of this variant is uncertain due to the absence of conclusive functional and genetic evidence.

Labcorp Genetics (formerly Invitae), Labcorp
Classification: Uncertain significance for Niemann-Pick disease, type B; Niemann-Pick disease, type A. Last evaluated: 2022-08-02. Review status: criteria provided, single submitter. Criteria: Invitae Variant Classification Sherloc (09022015). Collection method: clinical testing. Allele origin: germline.
Comment: This sequence change replaces glycine, which is neutral and non-polar, with arginine, which is basic and polar, at codon 20 of the SMPD1 protein (p.Gly20Arg). This variant is present in population databases (rs538153468, gnomAD 0.01%). This variant has not been reported in the literature in individuals affected with SMPD1-related conditions. ClinVar contains an entry for this variant (Variation ID: 593927). Advanced modeling of protein sequence and biophysical properties (such as structural, functional, and spatial information, amino acid conservation, physicochemical variation, residue mobility, and thermodynamic stability) performed at Invitae indicates that this missense variant is not expected to disrupt SMPD1 protein function. In summary, the available evidence is currently insufficient to determine the role of this variant in disease. Therefore, it has been classified as a Variant of Uncertain Significance.

Eurofins Ntd Llc (ga)
Classification: Uncertain significance. Last evaluated: 2017-09-05. Review status: criteria provided, single submitter. Criteria: EGL Classification Definitions 2015. Collection method: clinical testing. Allele origin: germline. Observed: 1 variant allele, 1 heterozygote.

NM_000543.5(SMPD1):c.58G>A (p.Gly20Arg)

Genes: SMPD1 (sphingomyelin phosphodiesterase 1; plus strand), LOC130005193 (ATAC-STARR-seq lymphoblastoid silent region 3099; plus strand). Cytogenetic location: 11p15.4.
Variant type: single nucleotide variant.
Coding change: c.58G>A on transcript NM_000543.5 (MANE Select); coding-DNA position 58, G replaced by A.
Protein change: p.Gly20Arg; replaces glycine 20 with arginine.
Molecular consequence: missense variant. On other transcripts: 5 prime UTR variant (1), non-coding transcript variant (2).
Genome position (GRCh38, 1-based): chr11:6,390,656, G>A. VCF-style: chr11-6390656-G-A. GRCh37 (hg19) VCF-style: chr11-6411886-G-A.
Other names: c.58G>A (NM_000543.4); c.58G>A, p.Gly20Arg (NM_001007593.3, NM_001318087.2, NM_001365135.2); c.-904G>A (NM_001318088.2); short protein forms G20R.
Identifiers: ClinVar variation 593927 (VCV000593927.8), dbSNP rs538153468, ClinGen allele CA5852461.